The following is an entry in ClinVar:

ClinVar aggregate classification (germline): Uncertain significance (1 of 4 stars; one submission).

Submission:

GeneDx
Classification: Uncertain significance. Last evaluated: 2025-04-14. Review status: criteria provided, single submitter. Criteria: GeneDx Variant Classification Process June 2021. Collection method: clinical testing. Allele origin: germline. Affected: yes.
Comment: Not observed at significant frequency in large population cohorts (gnomAD); In silico analysis supports that this missense variant has a deleterious effect on protein structure/function; Has not been previously published as pathogenic or benign to our knowledge

NM_000489.6(ATRX):c.4540C>G (p.Arg1514Gly)

Gene: ATRX (ATRX chromatin remodeler; minus strand). Cytogenetic location: Xq21.1.
Variant type: single nucleotide variant.
Coding change: c.4540C>G on transcript NM_000489.6 (MANE Select); coding-DNA position 4540, C replaced by G.
Protein change: p.Arg1514Gly; replaces arginine 1514 with glycine.
Molecular consequence: missense variant.
Genome position (GRCh38, 1-based): chrX:77,652,131, G>C on the plus strand (C>G on the coding strand, the complement: ATRX is on the minus strand). VCF-style: chrX-77652131-G-C. GRCh37 (hg19) VCF-style: chrX-76907621-G-C.
Other names: c.4426C>G, p.Arg1476Gly (NM_138270.5); short protein forms R1476G, R1514G.
Identifiers: ClinVar variation 4282168 (VCV004282168.1).
Genomic context (GRCh38, chrX:77,652,131, plus strand): 5'-CCTGTAGCTACAAAAGAAAAAGAAGAAGAAAGAAATTAGTTACCTCTCTCAATTTTTCTC[G>C]CTCACGCTCCCTCTCAGCAATACGTTTTCGTCTCTCTTCCTCTTCCTTAAGAGCATTTTG-3'
Protein context (NP_000480.3, residues 1504-1524): RKRIAERERE[Arg1514Gly]EKLREVIEIE